The following is an entry in ClinVar:

ClinVar aggregate classification (germline): Conflicting classifications of pathogenicity. Review status: criteria provided, conflicting classifications (1 of 4 stars). 3 submissions from 3 submitters: Uncertain significance (1); Likely benign (2). Last evaluated 2026-01-15.

Conditions:
NPHP3-related disorder. Also called: NPHP3-related condition; NPHP3-related disorders. Identifiers: MedGen CN379163.
Nephronophthisis. Also called: Juvenile Nephronophthisis. Identifiers: Orphanet 655, MedGen C0687120, MONDO:0019005, HP:0000090.

Allele frequency attached by ClinVar (database versions not stated): TOPMed below 0.00001; gnomAD 0.00001 and 0.00004; gnomAD exomes 0.00004 and 0.00008; ExAC 0.00008; 1000 Genomes Project 30x 0.00016; 1000 Genomes Project 0.00020.

Submissions (3):

PreventionGenetics, part of Exact Sciences
Classification: Likely benign for NPHP3-related condition. Last evaluated: 2026-01-15. Review status: criteria provided, single submitter. Criteria: ACMG Guidelines, 2015. Collection method: clinical testing. Allele origin: germline.
Comment: This variant is classified as likely benign based on ACMG/AMP sequence variant interpretation guidelines (Richards et al. 2015 PMID: 25741868, with internal and published modifications).

Labcorp Genetics (formerly Invitae), Labcorp
Classification: Likely benign for Nephronophthisis. Last evaluated: 2025-10-15. Review status: criteria provided, single submitter. Criteria: Invitae Variant Classification Sherloc (09022015). Collection method: clinical testing. Allele origin: germline.

Eurofins Ntd Llc (ga)
Classification: Uncertain significance. Last evaluated: 2017-05-08. Review status: criteria provided, single submitter. Criteria: EGL Classification Definitions 2015. Collection method: clinical testing. Allele origin: germline. Observed: 1 variant allele, 1 heterozygote.

NM_153240.5(NPHP3):c.657T>C (p.Cys219=)

Genes: NPHP3 (nephrocystin 3; minus strand), NPHP3-ACAD11 (NPHP3-ACAD11 readthrough (NMD candidate); minus strand). Cytogenetic location: 3q22.1.
Variant type: single nucleotide variant.
Coding change: c.657T>C on transcript NM_153240.5 (MANE Select); coding-DNA position 657, T replaced by C.
Protein change: p.Cys219=; no amino-acid change (cysteine 219 retained).
Molecular consequence: synonymous variant. On other transcripts: non-coding transcript variant (1).
Genome position (GRCh38, 1-based): chr3:132,719,007, A>G on the plus strand (T>C on the coding strand, the complement: NPHP3 is on the minus strand). VCF-style: chr3-132719007-A-G. GRCh37 (hg19) VCF-style: chr3-132437851-A-G.
Other names: c.657T>C (NM_153240.4).
Identifiers: ClinVar variation 501950 (VCV000501950.14), dbSNP rs200533815, ClinGen allele CA2622546.